The following is an entry in ClinVar:

NM_201253.3(CRB1):c.40C>T (p.Leu14Phe)

Gene: CRB1 (crumbs cell polarity complex component 1; plus strand). Cytogenetic location: 1q31.3.
Variant type: single nucleotide variant.
Coding change: c.40C>T on transcript NM_201253.3 (MANE Select); coding-DNA position 40, C replaced by T.
Protein change: p.Leu14Phe; replaces leucine 14 with phenylalanine.
Molecular consequence: missense variant. On other transcripts: non-coding transcript variant (2), intron variant (1).
Genome position (GRCh38, 1-based): chr1:197,268,452, C>T. VCF-style: chr1-197268452-C-T. GRCh37 (hg19) VCF-style: chr1-197237582-C-T.
Other names: c.40C>T, p.Leu14Phe (NM_001193640.2, NM_001257966.2); c.-212-33988C>T (NM_001257965.2); short protein forms L14F.
Identifiers: ClinVar variation 2151026 (VCV002151026.2), dbSNP rs551204372, ClinGen allele CA1311552.

ClinVar aggregate classification (germline): Uncertain significance. Review status: criteria provided, multiple submitters, no conflicts (2 of 4 stars). 2 submissions from 2 submitters: Uncertain significance (2). Last evaluated 2022-08-09.

Conditions:
Retinitis pigmentosa 12 (RP12). Also called: RP WITH OR WITHOUT PRESERVED PARAARTERIOLE RETINAL PIGMENT EPITHELIUM; RETINITIS PIGMENTOSA WITH OR WITHOUT PARAARTERIOLAR PRESERVATION OF RETINAL PIGMENT EPITHELIUM; RP WITH OR WITHOUT PPRPE. Identifiers: Orphanet 791, MedGen C1838647, MONDO:0010818, OMIM 600105.
Leber congenital amaurosis 8 (LCA8). Identifiers: Orphanet 65, MedGen C3151202, MONDO:0013453, OMIM 613835.

Allele frequency attached by ClinVar (database versions not stated): gnomAD exomes 0.00001; gnomAD 0.00003; ExAC 0.00004; 1000 Genomes Project 30x 0.00078; 1000 Genomes Project 0.00100.
gnomAD v4.1: 28 of 1,613,090 alleles (0.0017%); highest among the groups gnomAD compares: South Asian, 0.027%; no homozygotes.

Submissions (2):

Labcorp Genetics (formerly Invitae), Labcorp
Classification: Uncertain significance for Leber congenital amaurosis 8; Retinitis pigmentosa 12. Last evaluated: 2022-08-09. Review status: criteria provided, single submitter. Criteria: Invitae Variant Classification Sherloc (09022015). Collection method: clinical testing. Allele origin: germline.
Comment: This sequence change replaces leucine, which is neutral and non-polar, with phenylalanine, which is neutral and non-polar, at codon 14 of the CRB1 protein (p.Leu14Phe). This variant is present in population databases (rs551204372, gnomAD 0.02%). This variant has not been reported in the literature in individuals affected with CRB1-related conditions. Advanced modeling of protein sequence and biophysical properties (such as structural, functional, and spatial information, amino acid conservation, physicochemical variation, residue mobility, and thermodynamic stability) performed at Invitae indicates that this missense variant is not expected to disrupt CRB1 protein function. In summary, the available evidence is currently insufficient to determine the role of this variant in disease. Therefore, it has been classified as a Variant of Uncertain Significance.

Blueprint Genetics
Classification: Uncertain significance. Last evaluated: 2022-07-01. Review status: criteria provided, single submitter. Criteria: ACMG Guidelines, 2015. Collection method: clinical testing. Allele origin: germline.